The following is an entry in ClinVar:

NM_014874.4(MFN2):c.2177C>A (p.Ser726Ter)

Gene: MFN2 (mitofusin 2; plus strand). Cytogenetic location: 1p36.22.
Variant type: single nucleotide variant.
Coding change: c.2177C>A on transcript NM_014874.4 (MANE Select); coding-DNA position 2177, C replaced by A.
Protein change: p.Ser726Ter; replaces serine 726 with a stop codon.
Molecular consequence: nonsense.
Genome position (GRCh38, 1-based): chr1:12,009,699, C>A. VCF-style: chr1-12009699-C-A. GRCh37 (hg19) VCF-style: chr1-12069756-C-A.
Other names: p.Ser726*; c.2177C>A, p.Ser726Ter (NM_001127660.2); short protein forms S726*.
Identifiers: ClinVar variation 2682761 (VCV002682761.1), dbSNP rs1317009723, ClinGen allele CA338453324.

ClinVar aggregate classification (germline): Likely pathogenic (1 of 4 stars; one submission).

Submission:

Mayo Clinic Laboratories, Mayo Clinic
Classification: Likely pathogenic. Last evaluated: 2023-04-03. Review status: criteria provided, single submitter. Criteria: ACMG Guidelines, 2015. Collection method: clinical testing. Allele origin: germline. Observed: 1 variant allele.
Comment: PM2, PVS1_strong